The following is an entry in ClinVar:

ClinVar aggregate classification (germline): Likely benign. Review status: criteria provided, multiple submitters, no conflicts (2 of 4 stars). 5 submissions from 5 submitters: Likely benign (4). 1 of the submissions does not count toward it. Last evaluated 2026-01-19.

Conditions:
Cardiovascular phenotype. Identifiers: MedGen CN230736.
HCN4-related disorder. Also called: HCN4-related condition.
Brugada syndrome 8 (BRGDA8). Identifiers: Orphanet 130, MedGen C2751083, MONDO:0013148, OMIM 613123.

Allele frequency attached by ClinVar (database versions not stated): gnomAD exomes 0.00002; ExAC 0.00004; ESP Exome Variant Server 0.00008; gnomAD 0.00021 and 0.00024; 1000 Genomes Project 30x 0.00031; 1000 Genomes Project 0.00040; TOPMed 0.00040.
gnomAD v4.1: 67 of 1,614,136 alleles (0.0042%); highest among the groups gnomAD compares: Admixed American, 0.057%; 3 homozygotes.

Submissions (5):

Labcorp Genetics (formerly Invitae), Labcorp
Classification: Likely benign for Brugada syndrome 8. Last evaluated: 2026-01-19. Review status: criteria provided, single submitter. Criteria: Invitae Variant Classification Sherloc (09022015). Collection method: clinical testing. Allele origin: germline.

Ambry Genetics
Classification: Likely benign for Cardiovascular phenotype. Last evaluated: 2022-09-02. Review status: criteria provided, single submitter. Criteria: Ambry Variant Classification Scheme 2023. Collection method: clinical testing. Allele origin: germline.

GeneDx
Classification: Likely benign. Last evaluated: 2022-01-13. Review status: criteria provided, single submitter. Criteria: GeneDx Variant Classification Process June 2021. Collection method: clinical testing. Allele origin: germline. Affected: yes.

Blueprint Genetics
Classification: Likely benign. Last evaluated: 2020-11-24. Review status: criteria provided, single submitter. Criteria: ACMG Guidelines, 2015. Collection method: clinical testing. Allele origin: germline.

PreventionGenetics, part of Exact Sciences
Classification: Likely benign for HCN4-related condition. Last evaluated: 2024-08-29. Review status: no assertion criteria provided. Collection method: clinical testing. Allele origin: germline. Not counted in ClinVar's aggregate classification.
Comment: This variant is classified as likely benign based on ACMG/AMP sequence variant interpretation guidelines (Richards et al. 2015 PMID: 25741868, with internal and published modifications).

NM_005477.3(HCN4):c.1635C>T (p.Pro545=)

Gene: HCN4 (hyperpolarization activated cyclic nucleotide gated potassium channel 4; minus strand). Cytogenetic location: 15q24.1.
Variant type: single nucleotide variant.
Coding change: c.1635C>T on transcript NM_005477.3 (MANE Select); coding-DNA position 1635, C replaced by T.
Protein change: p.Pro545=; no amino-acid change (proline 545 retained).
Molecular consequence: synonymous variant.
Genome position (GRCh38, 1-based): chr15:73,325,400, G>A on the plus strand (C>T on the coding strand, the complement: HCN4 is on the minus strand). VCF-style: chr15-73325400-G-A. GRCh37 (hg19) VCF-style: chr15-73617741-G-A.
Identifiers: ClinVar variation 668584 (VCV000668584.19), dbSNP rs140015730, ClinGen allele CA7649242.